The following is an entry in ClinVar:

ClinVar aggregate classification (germline): Uncertain significance. Review status: criteria provided, multiple submitters, no conflicts (2 of 4 stars). 3 submissions from 3 submitters: Uncertain significance (2). 1 of the submissions does not count toward it. Last evaluated 2025-09-08.

Conditions:
Achromatopsia. Also called: Rod monochromatism. Identifiers: Orphanet 49382, MedGen C0152200, MONDO:0018852, HP:0011516.
Inborn genetic diseases. Identifiers: MedGen C0950123, MeSH D030342.

Allele frequency attached by ClinVar (database versions not stated): gnomAD exomes below 0.00001 and 0.00002; ExAC 0.00001; TOPMed 0.00001; gnomAD 0.00003.

Submissions (3):

Labcorp Genetics (formerly Invitae), Labcorp
Classification: Uncertain significance. Last evaluated: 2025-09-08. Review status: criteria provided, single submitter. Criteria: Invitae Variant Classification Sherloc (09022015). Collection method: clinical testing. Allele origin: germline.
Comment: This sequence change replaces glutamine, which is neutral and polar, with histidine, which is basic and polar, at codon 163 of the CNGB3 protein (p.Gln163His). This variant is present in population databases (rs752150266, gnomAD 0.007%). This variant has not been reported in the literature in individuals affected with CNGB3-related conditions. ClinVar contains an entry for this variant (Variation ID: 991603). Invitae Evidence Modeling of protein sequence and biophysical properties (such as structural, functional, and spatial information, amino acid conservation, physicochemical variation, residue mobility, and thermodynamic stability) indicates that this missense variant is not expected to disrupt CNGB3 protein function with a negative predictive value of 95%. In summary, the available evidence is currently insufficient to determine the role of this variant in disease. Therefore, it has been classified as a Variant of Uncertain Significance.

Ambry Genetics
Classification: Uncertain significance for Inborn genetic diseases. Last evaluated: 2025-08-10. Review status: criteria provided, single submitter. Criteria: Ambry Variant Classification Scheme 2023. Collection method: clinical testing. Allele origin: germline.

Natera, Inc.
Classification: Uncertain significance for Achromatopsia. Last evaluated: 2020-08-16. Review status: no assertion criteria provided. Collection method: clinical testing. Allele origin: germline. Not counted in ClinVar's aggregate classification.

NM_019098.5(CNGB3):c.489A>T (p.Gln163His)

Gene: CNGB3 (cyclic nucleotide gated channel subunit beta 3; minus strand). Cytogenetic location: 8q21.3.
Variant type: single nucleotide variant.
Coding change: c.489A>T on transcript NM_019098.5 (MANE Select); coding-DNA position 489, A replaced by T.
Protein change: p.Gln163His; replaces glutamine 163 with histidine.
Molecular consequence: missense variant.
Genome position (GRCh38, 1-based): chr8:86,670,948, T>A on the plus strand (A>T on the coding strand, the complement: CNGB3 is on the minus strand). VCF-style: chr8-86670948-T-A. GRCh37 (hg19) VCF-style: chr8-87683176-T-A.
Other names: short protein forms Q163H.
Identifiers: ClinVar variation 991603 (VCV000991603.9), dbSNP rs752150266, ClinGen allele CA4800389.
Genomic context (GRCh38, chr8:86,670,948, plus strand): 5'-ACACAGGTCCCCTCAGCACTTCTTTCTTCCCAGTACTTGGAGGGAGCAATGCTTACCAGT[T>A]TGTGGGCTGGCTTCGGGTGAGGAGAGATCTCCCTCTACCAACTTTTTCTTGTAGAGGGCT-3'
Protein context (NP_061971.3, residues 153-173): GDLSSPEASP[Gln163His]TAKPTAVPPV